The following is an entry in ClinVar:

NM_004863.4(SPTLC2):c.174G>A (p.Pro58=)

Gene: SPTLC2 (serine palmitoyltransferase long chain base subunit 2; minus strand). Cytogenetic location: 14q24.3.
Variant type: single nucleotide variant.
Coding change: c.174G>A on transcript NM_004863.4 (MANE Select); coding-DNA position 174, G replaced by A.
Protein change: p.Pro58=; no amino-acid change (proline 58 retained).
Molecular consequence: synonymous variant.
Genome position (GRCh38, 1-based): chr14:77,597,339, C>T on the plus strand (G>A on the coding strand, the complement: SPTLC2 is on the minus strand). VCF-style: chr14-77597339-C-T. GRCh37 (hg19) VCF-style: chr14-78063682-C-T.
Identifiers: ClinVar variation 513834 (VCV000513834.14), dbSNP rs373828710, ClinGen allele CA7289501.

ClinVar aggregate classification (germline): Benign/Likely benign. Review status: criteria provided, multiple submitters, no conflicts (2 of 4 stars). 4 submissions from 4 submitters: Benign (1); Likely benign (3). Last evaluated 2026-01-09.

Conditions:
Neuropathy, hereditary sensory and autonomic, type 1C. Also called: HSAN IC; HSN IC. Identifiers: Orphanet 36386, MedGen C3150896, MONDO:0013337, OMIM 613640.
SPTLC2-related disorder. Also called: SPTLC2-related condition.
Inborn genetic diseases. Identifiers: MedGen C0950123, MeSH D030342.

Allele frequency attached by ClinVar (database versions not stated): gnomAD exomes 0.00006 and 0.00024; ESP Exome Variant Server 0.00008; gnomAD 0.00012; TOPMed 0.00017; ExAC 0.00021.
gnomAD v4.1: 113 of 1,614,186 alleles (0.007%); highest among the groups gnomAD compares: East Asian, 0.1%; no homozygotes.

Submissions (4):

Labcorp Genetics (formerly Invitae), Labcorp
Classification: Benign for Neuropathy, hereditary sensory and autonomic, type 1C. Last evaluated: 2026-01-09. Review status: criteria provided, single submitter. Criteria: Invitae Variant Classification Sherloc (09022015). Collection method: clinical testing. Allele origin: germline.

PreventionGenetics, part of Exact Sciences
Classification: Likely benign for SPTLC2-related condition. Last evaluated: 2025-04-03. Review status: criteria provided, single submitter. Criteria: ACMG Guidelines, 2015. Collection method: clinical testing. Allele origin: germline.
Comment: This variant is classified as likely benign based on ACMG/AMP sequence variant interpretation guidelines (Richards et al. 2015 PMID: 25741868, with internal and published modifications).

Ambry Genetics
Classification: Likely benign for Inborn genetic diseases. Last evaluated: 2019-07-11. Review status: criteria provided, single submitter. Criteria: Ambry Variant Classification Scheme 2023. Collection method: clinical testing. Allele origin: germline.

GeneDx
Classification: Likely benign. Last evaluated: 2017-12-05. Review status: criteria provided, single submitter. Criteria: GeneDx Variant Classification (06012015). Collection method: clinical testing. Allele origin: germline. Affected: yes.
Comment: This variant is considered likely benign or benign based on one or more of the following criteria: it is a conservative change, it occurs at a poorly conserved position in the protein, it is predicted to be benign by multiple in silico algorithms, and/or has population frequency not consistent with disease.